The following is an entry in ClinVar:

NM_003190.5(TAPBP):c.1271T>C (p.Leu424Pro)

Gene: TAPBP (TAP binding protein; minus strand). Cytogenetic location: 6p21.32.
Variant type: single nucleotide variant.
Coding change: c.1271T>C on transcript NM_003190.5 (MANE Select); coding-DNA position 1271, T replaced by C.
Protein change: p.Leu424Pro; replaces leucine 424 with proline.
Molecular consequence: missense variant.
Genome position (GRCh38, 1-based): chr6:33,304,157, A>G on the plus strand (T>C on the coding strand, the complement: TAPBP is on the minus strand). VCF-style: chr6-33304157-A-G. GRCh37 (hg19) VCF-style: chr6-33271934-A-G.
Other names: c.1271T>C, p.Leu424Pro (NM_001410875.1, NM_172208.3); c.1010T>C, p.Leu337Pro (NM_172209.3); short protein forms L424P, L337P.
Identifiers: ClinVar variation 3701543 (VCV003701543.2).
Genomic context (GRCh38, chr6:33,304,157, plus strand): 5'-AGGTCATGGTCAGGGTAGGGCTGACACTTACCAGCCCAGCCCAGTGCCTTGAAGAGCCCA[A>G]GCAGAAGAAAGGCAGACAGGAAAAGGCCTACGCTGTCCTCAAGGGAGGGCCCTGAAAGAC-3'
Protein context (NP_003181.3, residues 414-434): VGLFLSAFLL[Leu424Pro]GLFKALGWAA

ClinVar aggregate classification (germline): Uncertain significance (1 of 4 stars; one submission).

Conditions:
MHC class I deficiency. Identifiers: Orphanet 34592, MedGen C6024714, MONDO:0011476.

gnomAD v4.1: 1 of 1,613,440 alleles (0.000062%); highest among the groups gnomAD compares: Non-Finnish European, 0.000085%; no homozygotes.

Submission:

Labcorp Genetics (formerly Invitae), Labcorp
Classification: Uncertain significance for MHC class I deficiency 1. Last evaluated: 2024-12-15. Review status: criteria provided, single submitter. Criteria: Invitae Variant Classification Sherloc (09022015). Collection method: clinical testing. Allele origin: germline.
Comment: This sequence change replaces leucine, which is neutral and non-polar, with proline, which is neutral and non-polar, at codon 424 of the TAPBP protein (p.Leu424Pro). This variant is not present in population databases (gnomAD no frequency). This variant has not been reported in the literature in individuals affected with TAPBP-related conditions. An algorithm developed to predict the effect of missense changes on protein structure and function (PolyPhen-2) suggests that this variant is likely to be disruptive. In summary, the available evidence is currently insufficient to determine the role of this variant in disease. Therefore, it has been classified as a Variant of Uncertain Significance.